The following is an entry in ClinVar:

NM_001035.3(RYR2):c.14048G>A (p.Arg4683Lys)

Gene: RYR2 (ryanodine receptor 2; plus strand). Cytogenetic location: 1q43.
Variant type: single nucleotide variant.
Coding change: c.14048G>A on transcript NM_001035.3 (MANE Select); coding-DNA position 14048, G replaced by A.
Protein change: p.Arg4683Lys; replaces arginine 4683 with lysine.
Molecular consequence: missense variant.
Genome position (GRCh38, 1-based): chr1:237,798,128, G>A. VCF-style: chr1-237798128-G-A. GRCh37 (hg19) VCF-style: chr1-237961428-G-A.
Other names: short protein forms R4683K.
Identifiers: ClinVar variation 3071989 (VCV003071989.1), dbSNP rs753553713, ClinGen allele CA085549.
Genomic context (GRCh38, chr1:237,798,128, plus strand): 5'-GAGACAGAATCAGTGAATTACTTGGCATGGACAAGGCAGCTCTGGACTTCAGTGATGCCA[G>A]AGAAAAGAAGAAGCCAAAGAAAGACAGCTCCTTATCAGCTGTGTAAGTGTTACTTCGGCT-3'
Protein context (NP_001026.2, residues 4673-4693): DKAALDFSDA[Arg4683Lys]EKKKPKKDSS

ClinVar aggregate classification (germline): Uncertain significance (1 of 4 stars; one submission).

Conditions:
Catecholaminergic polymorphic ventricular tachycardia (CVPT). Also called: Catecholamine-induced polymorphic ventricular tachycardia. Identifiers: Orphanet 3286, MedGen C5574922, MONDO:0017990.

Allele frequency attached by ClinVar (database versions not stated): gnomAD exomes 0.00001; TOPMed 0.00001; ExAC 0.00002.
gnomAD v4.1: 5 of 1,612,198 alleles (0.00031%); highest among the groups gnomAD compares: East Asian, 0.0067%; no homozygotes.

Submission:

All of Us Research Program, National Institutes of Health
Classification: Uncertain significance for Catecholaminergic polymorphic ventricular tachycardia. Last evaluated: 2023-06-26. Review status: criteria provided, single submitter. Criteria: ACMG Guidelines, 2015. Collection method: clinical testing. Allele origin: germline. Inheritance: Autosomal dominant inheritance. Observed: 1 variant allele, 1 heterozygote.
Comment: This missense variant replaces arginine with lysine at codon 4683 of the RYR2 protein. Computational prediction suggests that this variant may not impact protein structure and function (internally defined REVEL score threshold <= 0.5, PMID: 27666373). To our knowledge, functional studies have not been reported for this variant. This variant has not been reported in individuals affected with RYR2-related disorders in the literature. This variant has been identified in 4/245562 chromosomes in the general population by the Genome Aggregation Database (gnomAD). The available evidence is insufficient to determine the role of this variant in disease conclusively. Therefore, this variant is classified as a Variant of Uncertain Significance.

This study involves interpretation of variants in research participants for the purpose of population health screening. Participant phenotype was not available at the time of variant classification. Additional details can be found in publication PMID: 35346344, PMCID: PMC8962531